The following is an entry in ClinVar:

NR_001564.3(XIST):n.16811A>C

Genes: TSIX (TSIX transcript, XIST antisense RNA; plus strand), XIST (X inactive specific transcript; minus strand). Cytogenetic location: Xq13.2.
Variant type: single nucleotide variant.
Molecular consequence: non-coding transcript variant (on NR_003255.2).
Genome position: GRCh38 VCF-style: chrX-73823081-T-G. GRCh37 (hg19) VCF-style: chrX-73042916-T-G.
Identifiers: ClinVar variation 3045578 (VCV003045578.2), dbSNP rs5982487, ClinGen allele CA10451966.

ClinVar aggregate classification (germline): Benign (0 of 4 stars; one submission).

Conditions:
XIST-related disorder. Also called: XIST-related condition.

Allele frequency attached by ClinVar (database versions not stated): ESP Exome Variant Server 0.00398; 1000 Genomes Project 0.00609; 1000 Genomes Project 30x 0.00687.
gnomAD v4.1: 744 of 551,801 alleles (0.13%); highest among the groups gnomAD compares: African/African-American, 1.6%; 4 homozygotes.

Submission:

PreventionGenetics, part of Exact Sciences
Classification: Benign for XIST-related condition. Last evaluated: 2019-11-06. Review status: no assertion criteria provided. Collection method: clinical testing. Allele origin: germline.
Comment: This variant is classified as benign based on ACMG/AMP sequence variant interpretation guidelines (Richards et al. 2015 PMID: 25741868, with internal and published modifications).